The following is an entry in ClinVar:

ClinVar aggregate classification (germline): Conflicting classifications of pathogenicity. Review status: criteria provided, conflicting classifications (1 of 4 stars). 7 submissions from 7 submitters: Uncertain significance (4); Likely benign (2). 1 of the submissions does not count toward it. Last evaluated 2026-03-11.

Conditions:
TYRP1-related disorder. Also called: TYRP1-related condition.
Oculocutaneous albinism type 3 (OCA3). Also called: ALBINISM III; Albinism, oculocutaneous, type III; RUFOUS OCULOCUTANEOUS ALBINISM; XANTHISM; Rufous OCA; Rufous albinism. Identifiers: Orphanet 79433, MedGen C0342683, MONDO:0008747, OMIM 203290.

Allele frequency attached by ClinVar (database versions not stated): 1000 Genomes Project 30x 0.00031; 1000 Genomes Project 0.00040; ESP Exome Variant Server 0.00062; gnomAD 0.00072 and 0.00074; TOPMed 0.00083; gnomAD exomes 0.00105 and 0.00107; ExAC 0.00122.
gnomAD v4.1: 1,636 of 1,613,776 alleles (0.1%); highest among the groups gnomAD compares: Middle Eastern, 0.35%; 2 homozygotes.

Submissions (7):

GeneDx
Classification: Uncertain significance. Last evaluated: 2026-03-11. Review status: criteria provided, single submitter. Criteria: GeneDx Variant Classification Process June 2021. Collection method: clinical testing. Allele origin: germline.
Comment: Reported in heterozygous state in patients with cutaneous melanoma predisposition in published literature, although one patient had a different genetic etiology identified (PMID: 31233279, 38028607); In silico analysis supports that this missense variant has a deleterious effect on protein structure/function; This variant is associated with the following publications: (PMID: 30116028, 36118869, 38028607, 31146700, 34838614, 31233279)

Labcorp Genetics (formerly Invitae), Labcorp
Classification: Likely benign. Last evaluated: 2026-01-19. Review status: criteria provided, single submitter. Criteria: Invitae Variant Classification Sherloc (09022015). Collection method: clinical testing. Allele origin: germline.

Blueprint Genetics
Classification: Likely benign. Last evaluated: 2024-11-26. Review status: criteria provided, single submitter. Criteria: ACMG Guidelines, 2015. Collection method: clinical testing. Allele origin: germline.

Department of Pathology and Laboratory Medicine, Sinai Health System
Classification: Uncertain significance for Oculocutaneous albinism type 3. Last evaluated: 2022-04-08. Review status: criteria provided, single submitter. Criteria: ACMG Guidelines, 2015. Collection method: research. Allele origin: germline.

Illumina Laboratory Services, Illumina
Classification: Uncertain significance for Oculocutaneous albinism type 3. Last evaluated: 2017-04-27. Review status: criteria provided, single submitter. Criteria: ICSL Variant Classification Criteria 13 December 2019. Collection method: clinical testing. Allele origin: germline.

Eurofins Ntd Llc (ga)
Classification: Uncertain significance. Last evaluated: 2017-04-12. Review status: criteria provided, single submitter. Criteria: EGL Classification Definitions 2015. Collection method: clinical testing. Allele origin: germline. Observed: 2 variant alleles, 2 heterozygotes.

PreventionGenetics, part of Exact Sciences
Classification: Likely benign for TYRP1-related condition. Last evaluated: 2023-08-09. Review status: no assertion criteria provided. Collection method: clinical testing. Allele origin: germline. Not counted in ClinVar's aggregate classification.
Comment: This variant is classified as likely benign based on ACMG/AMP sequence variant interpretation guidelines (Richards et al. 2015 PMID: 25741868, with internal and published modifications).

NM_000550.3(TYRP1):c.785C>T (p.Thr262Met)

Gene: TYRP1 (tyrosinase related protein 1; plus strand). Cytogenetic location: 9p23.
Variant type: single nucleotide variant.
Coding change: c.785C>T on transcript NM_000550.3 (MANE Select); coding-DNA position 785, C replaced by T.
Protein change: p.Thr262Met; replaces threonine 262 with methionine.
Molecular consequence: missense variant.
Genome position (GRCh38, 1-based): chr9:12,698,527, C>T. VCF-style: chr9-12698527-C-T. GRCh37 (hg19) VCF-style: chr9-12698527-C-T.
Other names: short protein forms T262M.
Identifiers: ClinVar variation 197161 (VCV000197161.24), dbSNP rs61752939, ClinGen allele CA245143.
Genomic context (GRCh38, chr9:12,698,527, plus strand): 5'-CTTCTTTCTCCCTTCCTTACTGGAATTTTGCAACGGGGAAAAATGTCTGTGATATCTGCA[C>T]GGATGACTTGATGGGATCCAGAAGCAACTTTGATTCCACTCTAATAAGCCCAAACTCTGT-3'
Protein context (NP_000541.1, residues 252-272): ATGKNVCDIC[Thr262Met]DDLMGSRSNF